The following is an entry in ClinVar:

ClinVar aggregate classification (germline): Benign/Likely benign. Review status: criteria provided, multiple submitters, no conflicts (2 of 4 stars). 4 submissions from 4 submitters: Benign (1); Likely benign (3). Last evaluated 2026-01-25.

Conditions:
Leukodystrophy, hypomyelinating, 8, with or without oligodontia and/or hypogonadotropic hypogonadism. Also called: Endosteal sclerosis-cerebellar hypoplasia syndrome; LEUKODYSTROPHY, HYPOMYELINATING, 8, WITH HYPODONTIA AND HYPOGONADOTROPIC HYPOGONADISM; Hypomyelinating leukodystrophy 8 with or without oligodontia and-or hypogonadotropic hypogonadism. Identifiers: Orphanet 85186, Orphanet 88637, MedGen C3280644, MONDO:0013722, OMIM 614381.

Allele frequency attached by ClinVar (database versions not stated): 1000 Genomes Project 30x 0.00078; 1000 Genomes Project 0.00100; gnomAD exomes 0.00005 and 0.00026; gnomAD 0.00013 and 0.00017; ExAC 0.00028; TOPMed 0.00021.
gnomAD v4.1: 220 of 1,613,214 alleles (0.014%); highest among the groups gnomAD compares: East Asian, 0.2%; 4 homozygotes.

Submissions (4):

Labcorp Genetics (formerly Invitae), Labcorp
Classification: Benign. Last evaluated: 2026-01-25. Review status: criteria provided, single submitter. Criteria: Invitae Variant Classification Sherloc (09022015). Collection method: clinical testing. Allele origin: germline.

Blueprint Genetics
Classification: Likely benign. Last evaluated: 2024-11-27. Review status: criteria provided, single submitter. Criteria: ACMG Guidelines, 2015. Collection method: clinical testing. Allele origin: germline.

GeneDx
Classification: Likely benign. Last evaluated: 2020-09-03. Review status: criteria provided, single submitter. Criteria: GeneDx Variant Classification Process June 2021. Collection method: clinical testing. Allele origin: germline. Affected: yes.

Illumina Laboratory Services, Illumina
Classification: Likely benign for Leukodystrophy, hypomyelinating, 8, with or without oligodontia and/or hypogonadotropic hypogonadism. Last evaluated: 2018-01-13. Review status: criteria provided, single submitter. Criteria: ICSL Variant Classification Criteria 13 December 2019. Collection method: clinical testing. Allele origin: germline.
Comment: This variant was observed in the ICSL laboratory as part of a predisposition screen in an ostensibly healthy population. It had not been previously curated by ICSL or reported in the Human Gene Mutation Database (HGMD: prior to June 1st, 2018), and was therefore a candidate for classification through an automated scoring system. Utilizing variant allele frequency, disease prevalence and penetrance estimates, and inheritance mode, an automated score was calculated to assess if this variant is too frequent to cause the disease. Based on the score and internal cut-off values, a variant classified as likely benign is not then subjected to further curation. The score for this variant resulted in a classification of likely benign for this disease.

NM_018082.6(POLR3B):c.1707T>C (p.Asn569=)

Gene: POLR3B (RNA polymerase III subunit B; plus strand). Cytogenetic location: 12q23.3.
Variant type: single nucleotide variant.
Coding change: c.1707T>C on transcript NM_018082.6 (MANE Select); coding-DNA position 1707, T replaced by C.
Protein change: p.Asn569=; no amino-acid change (asparagine 569 retained).
Molecular consequence: synonymous variant.
Genome position (GRCh38, 1-based): chr12:106,433,798, T>C. VCF-style: chr12-106433798-T-C. GRCh37 (hg19) VCF-style: chr12-106827576-T-C.
Other names: c.1533T>C, p.Asn511= (NM_001160708.2).
Identifiers: ClinVar variation 729284 (VCV000729284.16), dbSNP rs17038450, ClinGen allele CA6762000.